The following is an entry in ClinVar:

NM_144672.4(OTOA):c.2120C>T (p.Ala707Val)

Gene: OTOA (otoancorin). Cytogenetic location: 16p12.2.
Variant type: single nucleotide variant.
Coding change: c.2120C>T on transcript NM_144672.4 (MANE Select); coding-DNA position 2120, C replaced by T.
Protein change: p.Ala707Val; replaces alanine 707 with valine.
Molecular consequence: missense variant.
Genome position (GRCh38, 1-based): chr16:21,728,344, C>T. VCF-style: chr16-21728344-C-T. GRCh37 (hg19) VCF-style: chr16-21739665-C-T.
Other names: c.1883C>T, p.Ala628Val (NM_001161683.2); c.1148C>T, p.Ala383Val (NM_170664.3); short protein forms A707V, A628V, A383V.
Identifiers: ClinVar variation 178502 (VCV000178502.48), dbSNP rs145160241, ClinGen allele CA182449.

ClinVar aggregate classification (germline): Benign/Likely benign. Review status: criteria provided, multiple submitters, no conflicts (2 of 4 stars). 7 submissions from 7 submitters: Benign (1); Likely benign (5). 1 of the submissions does not count toward it. Last evaluated 2026-01-28.

Conditions:
OTOA-related disorder. Also called: OTOA-related condition.
Hearing loss, autosomal recessive. Also called: Rare autosomal recessive non-syndromic sensorineural deafness type DFNB; Autosomal recessive nonsyndromic deafness; Nonsyndromic Hearing Loss, Recessive; Deafness, autosomal recessive. Identifiers: Orphanet 90635, Orphanet 90636, MedGen C1846647, MONDO:0019588, OMIM 607197.

Allele frequency attached by ClinVar (database versions not stated): ESP Exome Variant Server 0.00015; gnomAD 0.00038 and 0.00045; gnomAD exomes 0.00039 and 0.00075; TOPMed 0.00044; ExAC 0.00077; 1000 Genomes Project 30x 0.00265; 1000 Genomes Project 0.00280.
gnomAD v4.1: 666 of 1,614,018 alleles (0.041%); highest among the groups gnomAD compares: South Asian, 0.34%; 4 homozygotes.

Submissions (8):

Labcorp Genetics (formerly Invitae), Labcorp
Classification: Likely benign. Last evaluated: 2026-01-28. Review status: criteria provided, single submitter. Criteria: Invitae Variant Classification Sherloc (09022015). Collection method: clinical testing. Allele origin: germline.

PreventionGenetics, part of Exact Sciences
Classification: Likely benign for OTOA-related condition. Last evaluated: 2025-02-02. Review status: criteria provided, single submitter. Criteria: ACMG Guidelines, 2015. Collection method: clinical testing. Allele origin: germline.
Comment: This variant is classified as likely benign based on ACMG/AMP sequence variant interpretation guidelines (Richards et al. 2015 PMID: 25741868, with internal and published modifications).

Blueprint Genetics
Classification: Likely benign. Last evaluated: 2024-11-18. Review status: criteria provided, single submitter. Criteria: ACMG Guidelines, 2015. Collection method: clinical testing. Allele origin: germline.

CeGaT Center for Human Genetics Tuebingen
Classification: Likely benign. Last evaluated: 2023-07-01. Review status: criteria provided, single submitter. Criteria: CeGaT Center For Human Genetics Tuebingen Variant Classification Criteria Version 2. Collection method: clinical testing. Allele origin: germline. Affected: yes. Observed: 2 variant alleles.
Comment: OTOA: BP4

GeneDx
Classification: Likely benign. Last evaluated: 2021-07-02. Review status: criteria provided, single submitter. Criteria: GeneDx Variant Classification Process June 2021. Collection method: clinical testing. Allele origin: germline. Affected: yes.
Comment: This variant is associated with the following publications: (PMID: 30303587)

Laboratory for Molecular Medicine, Mass General Brigham Personalized Medicine
Classification: Benign. Last evaluated: 2016-02-09. Review status: criteria provided, single submitter. Criteria: LMM Criteria. Collection method: clinical testing. Allele origin: germline. Observed: 2 variant alleles.
Comment: p.Ala707Val in exon 19 of OTOA: This variant is not expected to have clinical si gnificance because it has been identified in 0.4% (66/16512) of South Asian chro mosomes by the Exome Aggregation Consortium (ExAC, g; dbSNP rs145160241). Additonally, this variant is not conserved across species , including mammals. Of note, gibbon has a valine at this position despite high nearby amino acid conservation.

Dr. Peter K. Rogan Lab, Western University
No classification provided (evidence only). Condition: Malignant tumor of urinary bladder. Review status: no classification provided. Collection method: in vitro. Allele origin: not applicable. Functional consequence: retained intron. Not counted in ClinVar's aggregate classification.

University of Washington Center for Mendelian Genomics, University of Washington
Classification: Likely pathogenic for non-syndromic autosomal recessive hearing loss. Review status: no assertion criteria provided. Collection method: research. Allele origin: inherited. Affected: yes. Not counted in ClinVar's aggregate classification.

Literature cited by the submitters: PubMed 30303587 (cited by University of Washington Center for Mendelian Genomics, University of Washington).